The following is an entry in ClinVar:

NM_030958.3(SLCO5A1):c.134C>T (p.Ser45Phe)

Gene: SLCO5A1 (solute carrier organic anion transporter family member 5A1; minus strand). Cytogenetic location: 8q13.3.
Variant type: single nucleotide variant.
Coding change: c.134C>T on transcript NM_030958.3 (MANE Select); coding-DNA position 134, C replaced by T.
Protein change: p.Ser45Phe; replaces serine 45 with phenylalanine.
Molecular consequence: missense variant.
Genome position (GRCh38, 1-based): chr8:69,832,540, G>A on the plus strand (C>T on the coding strand, the complement: SLCO5A1 is on the minus strand). VCF-style: chr8-69832540-G-A. GRCh37 (hg19) VCF-style: chr8-70744775-G-A.
Other names: c.134C>T, p.Ser45Phe (NM_001146008.2, NM_001146009.1); short protein forms S45F.
Identifiers: ClinVar variation 2386829 (VCV002386829.3), dbSNP rs372956242, ClinGen allele CA4776879.

ClinVar aggregate classification (germline): Uncertain significance. Review status: criteria provided, multiple submitters, no conflicts (2 of 4 stars). 2 submissions from 2 submitters: Uncertain significance (2). Last evaluated 2025-06-29.

Allele frequency attached by ClinVar (database versions not stated): ExAC 0.00001; gnomAD exomes 0.00001; TOPMed 0.00002; gnomAD 0.00003; ESP Exome Variant Server 0.00008.
gnomAD v4.1: 20 of 1,608,724 alleles (0.0012%); highest among the groups gnomAD compares: Middle Eastern, 0.017%; no homozygotes.

Submissions (2):

Labcorp Genetics (formerly Invitae), Labcorp
Classification: Uncertain significance. Last evaluated: 2025-06-29. Review status: criteria provided, single submitter. Criteria: Invitae Variant Classification Sherloc (09022015). Collection method: clinical testing. Allele origin: germline.
Comment: This sequence change replaces serine, which is neutral and polar, with phenylalanine, which is neutral and non-polar, at codon 45 of the SLCO5A1 protein (p.Ser45Phe). This variant is present in population databases (rs372956242, gnomAD 0.003%). This variant has not been reported in the literature in individuals affected with SLCO5A1-related conditions. ClinVar contains an entry for this variant (Variation ID: 2386829). An algorithm developed to predict the effect of missense changes on protein structure and function (PolyPhen-2) suggests that this variant is likely to be tolerated. In summary, the available evidence is currently insufficient to determine the role of this variant in disease. Therefore, it has been classified as a Variant of Uncertain Significance.

Ambry Genetics
Classification: Uncertain significance. Last evaluated: 2021-10-20. Review status: criteria provided, single submitter. Criteria: Ambry Variant Classification Scheme 2023. Collection method: clinical testing. Allele origin: germline.